The following is an entry in ClinVar:

NM_004991.4(MECOM):c.879T>G (p.Cys293Trp)

Gene: MECOM (MDS1 and EVI1 complex locus; minus strand). Cytogenetic location: 3q26.2.
Variant type: single nucleotide variant.
Coding change: c.879T>G on transcript NM_004991.4 (MANE Select); coding-DNA position 879, T replaced by G.
Protein change: p.Cys293Trp; replaces cysteine 293 with tryptophan.
Molecular consequence: missense variant.
Genome position (GRCh38, 1-based): chr3:169,122,679, A>C on the plus strand (T>G on the coding strand, the complement: MECOM is on the minus strand). VCF-style: chr3-169122679-A-C. GRCh37 (hg19) VCF-style: chr3-168840467-A-C.
Other names: c.507T>G, p.Cys169Trp (NM_001105077.4); c.315T>G, p.Cys105Trp (NM_001105078.4, NM_001163999.2, NM_001164000.2 and 9 more transcripts); c.879T>G, p.Cys293Trp (NM_001366466.2, NM_001366473.2); short protein forms C105W, C169W, C293W.
Identifiers: ClinVar variation 4842749 (VCV004842749.1).

ClinVar aggregate classification (germline): Uncertain significance (1 of 4 stars; one submission).

Conditions:
Inborn genetic diseases. Identifiers: MedGen C0950123, MeSH D030342.

Submission:

Ambry Genetics
Classification: Uncertain significance for Inborn genetic diseases. Last evaluated: 2025-12-21. Review status: criteria provided, single submitter. Criteria: Ambry Variant Classification Scheme 2023. Collection method: clinical testing. Allele origin: germline.
Comment: The p.C293W variant (also known as c.879T>G), located in coding exon 6 of the MECOM gene, results from a T to G substitution at nucleotide position 879. The cysteine at codon 293 is replaced by tryptophan, an amino acid with highly dissimilar properties. This amino acid position is conserved. In addition, this alteration is predicted to be deleterious by in silico analysis. Based on the available evidence, the clinical significance of this variant remains unclear.